The following is an entry in ClinVar:

NM_173648.4(CCDC141):c.2542G>A (p.Gly848Arg)

Gene: CCDC141 (coiled-coil domain containing 141; minus strand). Cytogenetic location: 2q31.2.
Variant type: single nucleotide variant.
Coding change: c.2542G>A on transcript NM_173648.4 (MANE Select); coding-DNA position 2542, G replaced by A.
Protein change: p.Gly848Arg; replaces glycine 848 with arginine.
Molecular consequence: missense variant.
Genome position (GRCh38, 1-based): chr2:178,868,058, C>T on the plus strand (G>A on the coding strand, the complement: CCDC141 is on the minus strand). VCF-style: chr2-178868058-C-T. GRCh37 (hg19) VCF-style: chr2-179732785-C-T.
Other names: c.2542G>A (NM_173648.3); short protein forms G848R.
Identifiers: ClinVar variation 2158196 (VCV002158196.6), dbSNP rs200780194, ClinGen allele CA2006987.

ClinVar aggregate classification (germline): Uncertain significance. Review status: criteria provided, multiple submitters, no conflicts (2 of 4 stars). 2 submissions from 2 submitters: Uncertain significance (2). Last evaluated 2024-10-22.

Allele frequency attached by ClinVar (database versions not stated): TOPMed 0.00024; ESP Exome Variant Server 0.00015; gnomAD exomes 0.00017; ExAC 0.00019; gnomAD 0.00023.

Submissions (2):

Labcorp Genetics (formerly Invitae), Labcorp
Classification: Uncertain significance. Last evaluated: 2024-10-22. Review status: criteria provided, single submitter. Criteria: Invitae Variant Classification Sherloc (09022015). Collection method: clinical testing. Allele origin: germline.
Comment: This sequence change replaces glycine, which is neutral and non-polar, with arginine, which is basic and polar, at codon 848 of the CCDC141 protein (p.Gly848Arg). This variant is present in population databases (rs200780194, gnomAD 0.04%). This variant has not been reported in the literature in individuals affected with CCDC141-related conditions. ClinVar contains an entry for this variant (Variation ID: 2158196). An algorithm developed to predict the effect of missense changes on protein structure and function (PolyPhen-2) suggests that this variant is likely to be disruptive. In summary, the available evidence is currently insufficient to determine the role of this variant in disease. Therefore, it has been classified as a Variant of Uncertain Significance.

Ambry Genetics
Classification: Uncertain significance. Last evaluated: 2024-07-27. Review status: criteria provided, single submitter. Criteria: Ambry Variant Classification Scheme 2023. Collection method: clinical testing. Allele origin: germline.